The following is an entry in ClinVar:

NM_016247.4(IMPG2):c.1472C>T (p.Pro491Leu)

Gene: IMPG2 (interphotoreceptor matrix proteoglycan 2; minus strand). Cytogenetic location: 3q12.3.
Variant type: single nucleotide variant.
Coding change: c.1472C>T on transcript NM_016247.4 (MANE Select); coding-DNA position 1472, C replaced by T.
Protein change: p.Pro491Leu; replaces proline 491 with leucine.
Molecular consequence: missense variant.
Genome position (GRCh38, 1-based): chr3:101,245,873, G>A on the plus strand (C>T on the coding strand, the complement: IMPG2 is on the minus strand). VCF-style: chr3-101245873-G-A. GRCh37 (hg19) VCF-style: chr3-100964717-G-A.
Other names: short protein forms P491L.
Identifiers: ClinVar variation 1417298 (VCV001417298.5), dbSNP rs374379401, ClinGen allele CA2519160.

ClinVar aggregate classification (germline): Uncertain significance. Review status: criteria provided, multiple submitters, no conflicts (2 of 4 stars). 2 submissions from 2 submitters: Uncertain significance (2). Last evaluated 2024-02-19.

Allele frequency attached by ClinVar (database versions not stated): gnomAD exomes 0.00004 and 0.00007; ExAC 0.00006; gnomAD 0.00009 and 0.00010; TOPMed 0.00009; 1000 Genomes Project 30x 0.00016; 1000 Genomes Project 0.00020; ESP Exome Variant Server 0.00023.
gnomAD v4.1: 119 of 1,614,094 alleles (0.0074%); highest among the groups gnomAD compares: African/African-American, 0.015%; no homozygotes.

Submissions (2):

Blueprint Genetics
Classification: Uncertain significance. Last evaluated: 2024-02-19. Review status: criteria provided, single submitter. Criteria: ACMG Guidelines, 2015. Collection method: clinical testing. Allele origin: germline.

Labcorp Genetics (formerly Invitae), Labcorp
Classification: Uncertain significance. Last evaluated: 2023-08-17. Review status: criteria provided, single submitter. Criteria: Invitae Variant Classification Sherloc (09022015). Collection method: clinical testing. Allele origin: germline.
Comment: In summary, the available evidence is currently insufficient to determine the role of this variant in disease. Therefore, it has been classified as a Variant of Uncertain Significance. Advanced modeling of protein sequence and biophysical properties (such as structural, functional, and spatial information, amino acid conservation, physicochemical variation, residue mobility, and thermodynamic stability) has been performed at Invitae for this missense variant, however the output from this modeling did not meet the statistical confidence thresholds required to predict the impact of this variant on IMPG2 protein function. ClinVar contains an entry for this variant (Variation ID: 1417298). This variant has not been reported in the literature in individuals affected with IMPG2-related conditions. This sequence change replaces proline, which is neutral and non-polar, with leucine, which is neutral and non-polar, at codon 491 of the IMPG2 protein (p.Pro491Leu). This variant is present in population databases (rs374379401, gnomAD 0.008%).